The following is an entry in ClinVar:

ClinVar aggregate classification (germline): Uncertain significance (1 of 4 stars; one submission).

Submission:

GeneDx
Classification: Uncertain significance. Last evaluated: 2019-04-01. Review status: criteria provided, single submitter. Criteria: GeneDx Variant Classification Process June 2021. Collection method: clinical testing. Allele origin: germline. Affected: yes.
Comment: Not observed in large population cohorts (Lek et al., 2016); In silico analysis, which includes protein predictors and evolutionary conservation, supports a deleterious effect; Has not been previously published as pathogenic or benign to our knowledge

NM_001851.6(COL9A1):c.1355A>G (p.Asp452Gly)

Gene: COL9A1 (collagen type IX alpha 1 chain; minus strand). Cytogenetic location: 6q13.
Variant type: single nucleotide variant.
Coding change: c.1355A>G on transcript NM_001851.6 (MANE Select); coding-DNA position 1355, A replaced by G.
Protein change: p.Asp452Gly; replaces aspartic acid 452 with glycine.
Molecular consequence: missense variant. On other transcripts: non-coding transcript variant (1).
Genome position (GRCh38, 1-based): chr6:70,263,284, T>C on the plus strand (A>G on the coding strand, the complement: COL9A1 is on the minus strand). VCF-style: chr6-70263284-T-C. GRCh37 (hg19) VCF-style: chr6-70972987-T-C.
Other names: c.626A>G, p.Asp209Gly (NM_001377289.1, NM_001377290.1, NM_078485.4); short protein forms D209G, D452G.
Identifiers: ClinVar variation 1317132 (VCV001317132.2), dbSNP rs2127583225, ClinGen allele CA364679715.